The following is an entry in ClinVar:

NM_024678.6(NARS2):c.7G>C (p.Gly3Arg)

Gene: NARS2 (asparaginyl-tRNA synthetase 2, mitochondrial; minus strand). Cytogenetic location: 11q14.1.
Variant type: single nucleotide variant.
Coding change: c.7G>C on transcript NM_024678.6 (MANE Select); coding-DNA position 7, G replaced by C.
Protein change: p.Gly3Arg; replaces glycine 3 with arginine.
Molecular consequence: missense variant. On other transcripts: intron variant (1).
Genome position (GRCh38, 1-based): chr11:78,574,482, C>G on the plus strand (G>C on the coding strand, the complement: NARS2 is on the minus strand). VCF-style: chr11-78574482-C-G. GRCh37 (hg19) VCF-style: chr11-78285527-C-G.
Other names: c.-541+347G>C (NM_001243251.2); c.7G>C (NM_024678.5); short protein forms G3R.
Identifiers: ClinVar variation 1981734 (VCV001981734.3), dbSNP rs200640877, ClinGen allele CA6206011.

ClinVar aggregate classification (germline): Uncertain significance. Review status: criteria provided, multiple submitters, no conflicts (2 of 4 stars). 2 submissions from 2 submitters: Uncertain significance (2). Last evaluated 2025-07-10.

Allele frequency attached by ClinVar (database versions not stated): ExAC 0.00017.

Submissions (2):

GeneDx
Classification: Uncertain significance. Last evaluated: 2025-07-10. Review status: criteria provided, single submitter. Criteria: GeneDx Variant Classification Process June 2021. Collection method: clinical testing. Allele origin: germline. Affected: yes.
Comment: In silico analysis suggests that this missense variant does not alter protein structure/function; Has not been previously published as pathogenic or benign to our knowledge

Labcorp Genetics (formerly Invitae), Labcorp
Classification: Uncertain significance. Last evaluated: 2025-02-10. Review status: criteria provided, single submitter. Criteria: Invitae Variant Classification Sherloc (09022015). Collection method: clinical testing. Allele origin: germline.
Comment: This sequence change replaces glycine, which is neutral and non-polar, with arginine, which is basic and polar, at codon 3 of the NARS2 protein (p.Gly3Arg). This variant is present in population databases (rs200640877, gnomAD 0.02%). This variant has not been reported in the literature in individuals affected with NARS2-related conditions. ClinVar contains an entry for this variant (Variation ID: 1981734). An algorithm developed to predict the effect of missense changes on protein structure and function outputs the following: PolyPhen-2: "Benign". The arginine amino acid residue is found in multiple mammalian species, which suggests that this missense change does not adversely affect protein function. In summary, the available evidence is currently insufficient to determine the role of this variant in disease. Therefore, it has been classified as a Variant of Uncertain Significance.